The following is an entry in ClinVar:

ClinVar aggregate classification (germline): Uncertain significance (1 of 4 stars; one submission).

Conditions:
Polycystic kidney disease, adult type (PKD1). Also called: Polycystic Kidney Disease 1, Autosomal Dominant; Polycystic kidney disease 1; Polycystic kidney disease 1, severe; Polycystic Kidney, Autosomal Dominant; POLYCYSTIC KIDNEY DISEASE 1 WITH OR WITHOUT POLYCYSTIC LIVER DISEASE; POLYCYSTIC KIDNEY DISEASE, ADULT, TYPE I. Identifiers: MedGen C3149841, MONDO:0008263, OMIM 173900.

Submission:

MVZ Medizinische Genetik Mainz
Classification: Uncertain significance for Polycystic kidney disease, adult type. Last evaluated: 2024-01-19. Review status: criteria provided, single submitter. Criteria: UK Practice Guidelines For Variant Classification V4 01 2020. Collection method: clinical testing. Allele origin: germline. Inheritance: Autosomal dominant inheritance. Affected: yes. Observed: 1 variant allele.
Comment: ACMG Criteria: PM2_SUP

NM_001009944.3(PKD1):c.10802T>G (p.Leu3601Arg)

Genes: PKD1-AS1 (PKD1 antisense RNA 1; plus strand), PKD1 (polycystin 1, transient receptor potential channel interacting; minus strand). Cytogenetic location: 16p13.3.
Variant type: single nucleotide variant.
Coding change: c.10802T>G on transcript NM_001009944.3 (MANE Select); coding-DNA position 10802, T replaced by G.
Protein change: p.Leu3601Arg; replaces leucine 3601 with arginine.
Molecular consequence: missense variant.
Genome position (GRCh38, 1-based): chr16:2,093,830, A>C on the plus strand (T>G on the coding strand, the complement: PKD1 is on the minus strand). VCF-style: chr16-2093830-A-C. GRCh37 (hg19) VCF-style: chr16-2143831-A-C.
Other names: c.10799T>G, p.Leu3600Arg (NM_000296.4); short protein forms L3600R, L3601R.
Identifiers: ClinVar variation 3236063 (VCV003236063.1), dbSNP rs2544649965, ClinGen allele CA394339698.